The following is an entry in ClinVar:

NM_025114.4(CEP290):c.3682C>G (p.Leu1228Val)

Gene: CEP290 (centrosomal protein 290; minus strand). Cytogenetic location: 12q21.32.
Variant type: single nucleotide variant.
Coding change: c.3682C>G on transcript NM_025114.4 (MANE Select); coding-DNA position 3682, C replaced by G.
Protein change: p.Leu1228Val; replaces leucine 1228 with valine.
Molecular consequence: missense variant.
Genome position (GRCh38, 1-based): chr12:88,089,379, G>C on the plus strand (C>G on the coding strand, the complement: CEP290 is on the minus strand). VCF-style: chr12-88089379-G-C. GRCh37 (hg19) VCF-style: chr12-88483156-G-C.
Other names: c.3682C>G (NM_025114.3); short protein forms L1228V.
Identifiers: ClinVar variation 1023063 (VCV001023063.10), dbSNP rs1282211647, ClinGen allele CA386000941.

ClinVar aggregate classification (germline): Uncertain significance. Review status: criteria provided, multiple submitters, no conflicts (2 of 4 stars). 5 submissions from 5 submitters: Uncertain significance (4). 1 of the submissions does not count toward it. Last evaluated 2025-08-07.

Conditions:
Joubert syndrome. Also called: Familial aplasia of the vermis; JOUBERT-BOLTSHAUSER SYNDROME. Identifiers: Orphanet 475, MedGen C5979921, MONDO:0018772.
Nephronophthisis. Also called: Juvenile Nephronophthisis. Identifiers: Orphanet 655, MedGen C0687120, MONDO:0019005, HP:0000090.
Meckel-Gruber syndrome. Also called: DYSENCEPHALIA SPLANCHNOCYSTICA; GRUBER SYNDROME; Dysencephalia splachnocystica. Identifiers: Orphanet 564, MedGen C0265215, MONDO:0018921.
Bardet-Biedl syndrome 14 (BBS14). Identifiers: Orphanet 110, MedGen C2673874, MONDO:0014442, OMIM 615991.
Meckel syndrome, type 4 (MKS4). Also called: MECKEL-GRUBER SYNDROME, TYPE 4. Identifiers: Orphanet 564, MedGen C1970161, MONDO:0012626, OMIM 611134.
Senior-Loken syndrome 6 (SLSN6). Identifiers: Orphanet 3156, MedGen C1857779, MONDO:0012433, OMIM 610189.
Leber congenital amaurosis 10 (LCA10). Identifiers: Orphanet 65, MedGen C1857821, MONDO:0012723, OMIM 611755.
Joubert syndrome 5 (JBTS5). Identifiers: Orphanet 2318, MedGen C1857780, MONDO:0012432, OMIM 610188.
CEP290-related disorder. Also called: CEP290-related disorders; CEP290-related condition. Identifiers: MedGen CN239314.
Leber congenital amaurosis (LCA). Also called: Leber's amaurosis. Identifiers: Orphanet 65, MedGen C0339527, MeSH D057130, MONDO:0018998.
Inborn genetic diseases. Identifiers: MedGen C0950123, MeSH D030342.

Allele frequency attached by ClinVar (database versions not stated): gnomAD exomes below 0.00001 and 0.00001; TOPMed 0.00001.
gnomAD v4.1: 17 of 1,613,818 alleles (0.0011%); highest among the groups gnomAD compares: Non-Finnish European, 0.0014%; no homozygotes.

Submissions (5):

PreventionGenetics, part of Exact Sciences
Classification: Uncertain significance for CEP290-related condition. Last evaluated: 2025-08-07. Review status: criteria provided, single submitter. Criteria: ACMG Guidelines, 2015. Collection method: clinical testing. Allele origin: germline.
Comment: The CEP290 c.3682C>G variant is predicted to result in the amino acid substitution p.Leu1228Val. To our knowledge, this variant has not been reported in the literature. This variant is reported in 0.00089% of alleles in individuals of European (Non-Finnish) descent in gnomAD. At this time, the clinical significance of this variant is uncertain due to the absence of conclusive functional and genetic evidence.

Ambry Genetics
Classification: Uncertain significance for Inborn genetic diseases. Last evaluated: 2024-12-24. Review status: criteria provided, single submitter. Criteria: Ambry Variant Classification Scheme 2023. Collection method: clinical testing. Allele origin: germline.

Fulgent Genetics
Classification: Uncertain significance for Joubert syndrome 5; Senior-Loken syndrome 6; Meckel syndrome, type 4; Leber congenital amaurosis 10; Bardet-Biedl syndrome 14. Last evaluated: 2023-12-26. Review status: criteria provided, single submitter. Criteria: ACMG Guidelines, 2015. Collection method: clinical testing. Allele origin: germline.

Labcorp Genetics (formerly Invitae), Labcorp
Classification: Uncertain significance for Joubert syndrome; Meckel-Gruber syndrome; Nephronophthisis. Last evaluated: 2021-12-19. Review status: criteria provided, single submitter. Criteria: Invitae Variant Classification Sherloc (09022015). Collection method: clinical testing. Allele origin: germline.
Comment: This sequence change replaces leucine, which is neutral and non-polar, with valine, which is neutral and non-polar, at codon 1228 of the CEP290 protein (p.Leu1228Val). This variant is present in population databases (no rsID available, gnomAD 0.0009%). This variant has not been reported in the literature in individuals affected with CEP290-related conditions. ClinVar contains an entry for this variant (Variation ID: 1023063). Algorithms developed to predict the effect of missense changes on protein structure and function are either unavailable or do not agree on the potential impact of this missense change (SIFT: "Deleterious"; PolyPhen-2: "Probably Damaging"; Align-GVGD: "Class C0"). In summary, the available evidence is currently insufficient to determine the role of this variant in disease. Therefore, it has been classified as a Variant of Uncertain Significance.

Natera, Inc.
Classification: Uncertain significance for Leber congenital amaurosis. Last evaluated: 2020-06-12. Review status: no assertion criteria provided. Collection method: clinical testing. Allele origin: germline. Not counted in ClinVar's aggregate classification.